The following is an entry in ClinVar:

NM_001378452.1(ITPR1):c.5721A>C (p.Lys1907Asn)

Gene: ITPR1 (inositol 1,4,5-trisphosphate receptor type 1; plus strand). Cytogenetic location: 3p26.1.
Variant type: single nucleotide variant.
Coding change: c.5721A>C on transcript NM_001378452.1 (MANE Select); coding-DNA position 5721, A replaced by C.
Protein change: p.Lys1907Asn; replaces lysine 1907 with asparagine.
Molecular consequence: missense variant.
Genome position (GRCh38, 1-based): chr3:4,766,706, A>C. VCF-style: chr3-4766706-A-C. GRCh37 (hg19) VCF-style: chr3-4808390-A-C.
Other names: c.5577A>C, p.Lys1859Asn (NM_001099952.4); c.5676A>C, p.Lys1892Asn (NM_001168272.2); c.5532A>C, p.Lys1844Asn (NM_002222.7); short protein forms K1844N, K1859N, K1892N, K1907N.
Identifiers: ClinVar variation 4854714 (VCV004854714.1).

ClinVar aggregate classification (germline): Uncertain significance (1 of 4 stars; one submission).

Conditions:
Spinocerebellar ataxia type 15/16 (SCA15). Also called: Spinocerebellar Ataxia Type 15. Identifiers: Orphanet 98769, MedGen C1847725, MONDO:0011694, OMIM 606658.

Submission:

3billion
Classification: Uncertain significance for Spinocerebellar ataxia type 15/16. Last evaluated: 2025-09-30. Review status: criteria provided, single submitter. Criteria: ACMG Guidelines, 2015. Collection method: clinical testing. Allele origin: germline. Affected: yes.
Comment: The variant is not observed in the gnomAD v4.1.0 dataset. Predicted Consequence/Location: Missense variant. Missense changes are a common disease-causing mechanism. In silico tool predictions suggest no damaging effect of the variant on gene or gene product [REVEL: 0.32 (<0.4); 3Cnet: 0.00 (<0.1, specificity 0.84 and negative predicitive value 0.97)]. Therefore, this variant is classified as VUS according to the recommendation of ACMG/AMP guideline.